The following is an entry in ClinVar:

NM_000245.4(MET):c.3430G>A (p.Gly1144Arg)

Gene: MET (MET proto-oncogene, receptor tyrosine kinase; plus strand). Cytogenetic location: 7q31.2.
Variant type: single nucleotide variant.
Coding change: c.3430G>A on transcript NM_000245.4 (MANE Select); coding-DNA position 3430, G replaced by A.
Protein change: p.Gly1144Arg; replaces glycine 1144 with arginine.
Molecular consequence: missense variant.
Genome position (GRCh38, 1-based): chr7:116,778,865, G>A. VCF-style: chr7-116778865-G-A. GRCh37 (hg19) VCF-style: chr7-116418919-G-A.
Other names: c.3484G>A, p.Gly1162Arg (NM_001127500.3); c.2140G>A, p.Gly714Arg (NM_001324402.2); short protein forms G1144R, G714R, G1162R.
Identifiers: ClinVar variation 853922 (VCV000853922.12), dbSNP rs1795070539, ClinGen allele CA368990136.

ClinVar aggregate classification (germline): Uncertain significance. Review status: criteria provided, multiple submitters, no conflicts (2 of 4 stars). 2 submissions from 2 submitters: Uncertain significance (2). Last evaluated 2026-07-08.

Conditions:
Hereditary cancer-predisposing syndrome. Also called: Tumor predisposition; Hereditary neoplastic syndrome; Neoplastic Syndromes, Hereditary; Hereditary Cancer Syndrome. Identifiers: Orphanet 140162, MedGen C0027672, MeSH D009386, MONDO:0015356.
Renal cell carcinoma. Identifiers: Orphanet 217071, MedGen C0007134, MeSH D002292, MONDO:0005086, HP:0005584.

Allele frequency attached by ClinVar (database versions not stated): gnomAD 0.00001.
gnomAD v4.1: 2 of 1,613,880 alleles (0.00012%); highest among the groups gnomAD compares: African/African-American, 0.0027%; no homozygotes.

Submissions (2):

Ambry Genetics
Classification: Uncertain significance for Hereditary cancer-predisposing syndrome. Last evaluated: 2026-07-08. Review status: criteria provided, single submitter. Criteria: Ambry Variant Classification Scheme 2023. Collection method: clinical testing. Allele origin: germline.
Comment: The p.G1162R variant (also known as c.3484G>A), located in coding exon 16 of the MET gene, results from a G to A substitution at nucleotide position 3484. The glycine at codon 1162 is replaced by arginine, an amino acid with dissimilar properties. This amino acid position is highly conserved in available vertebrate species. In addition, this alteration is predicted to be deleterious by in silico analysis. Based on the available evidence, the clinical significance of this variant remains unclear.

Labcorp Genetics (formerly Invitae), Labcorp
Classification: Uncertain significance for Renal cell carcinoma. Last evaluated: 2024-04-05. Review status: criteria provided, single submitter. Criteria: Invitae Variant Classification Sherloc (09022015). Collection method: clinical testing. Allele origin: germline.
Comment: This sequence change replaces glycine, which is neutral and non-polar, with arginine, which is basic and polar, at codon 1162 of the MET protein (p.Gly1162Arg). This variant is not present in population databases (gnomAD no frequency). This variant has not been reported in the literature in individuals affected with MET-related conditions. ClinVar contains an entry for this variant (Variation ID: 853922). Advanced modeling of protein sequence and biophysical properties (such as structural, functional, and spatial information, amino acid conservation, physicochemical variation, residue mobility, and thermodynamic stability) performed at Invitae indicates that this missense variant is expected to disrupt MET protein function with a positive predictive value of 80%. In summary, the available evidence is currently insufficient to determine the role of this variant in disease. Therefore, it has been classified as a Variant of Uncertain Significance.